The following is an entry in ClinVar:

ClinVar aggregate classification (germline): Conflicting classifications of pathogenicity. Review status: criteria provided, conflicting classifications (1 of 4 stars). 2 submissions from 2 submitters: Pathogenic (1); Uncertain significance (1). Last evaluated 2025-01-20.

Conditions:
Familial cancer of breast. Also called: BREAST CANCER, FAMILIAL; Hereditary breast cancer; hereditary breast carcinoma. Identifiers: Orphanet 227535, MedGen C0346153, MONDO:0016419, OMIM 114480. Disease mechanism: loss of function.
Fanconi anemia complementation group J. Also called: BRIP1-Related Fanconi Anemia. Identifiers: Orphanet 84, MedGen C1836860, MONDO:0012187, OMIM 609054.
Hereditary cancer-predisposing syndrome. Also called: Neoplastic Syndromes, Hereditary; Hereditary neoplastic syndrome; Hereditary Cancer Syndrome; Tumor predisposition. Identifiers: Orphanet 140162, MedGen C0027672, MeSH D009386, MONDO:0015356.

Submissions (2):

Labcorp Genetics (formerly Invitae), Labcorp
Classification: Pathogenic for Familial cancer of breast; Fanconi anemia complementation group J. Last evaluated: 2025-01-20. Review status: criteria provided, single submitter. Criteria: Invitae Variant Classification Sherloc (09022015). Collection method: clinical testing. Allele origin: germline.
Comment: This sequence change replaces glutamic acid, which is acidic and polar, with aspartic acid, which is acidic and polar, at codon 626 of the BRIP1 protein (p.Glu626Asp). This variant is not present in population databases (gnomAD no frequency). This missense change has been observed in individual(s) with Fanconi anemia (PMID: 23285130). It has also been observed to segregate with disease in related individuals. ClinVar contains an entry for this variant (Variation ID: 946555). Invitae Evidence Modeling of protein sequence and biophysical properties (such as structural, functional, and spatial information, amino acid conservation, physicochemical variation, residue mobility, and thermodynamic stability) indicates that this missense variant is expected to disrupt BRIP1 protein function with a positive predictive value of 95%. For these reasons, this variant has been classified as Pathogenic.

Ambry Genetics
Classification: Uncertain significance for Hereditary cancer-predisposing syndrome. Last evaluated: 2015-12-23. Review status: criteria provided, single submitter. Criteria: Ambry Variant Classification Scheme 2023. Collection method: clinical testing. Allele origin: germline.
Comment: The p.E626D variant (also known as c.1878A>C), located in coding exon 12 of the BRIP1 gene, results from an A to C substitution at nucleotide position 1878. The glutamic acid at codon 626 is replaced by aspartic acid, an amino acid with highly similar properties. A similar alteration, c.1878A>T, which results in the same amino acid change,p.E626D, is reported in the homozygous state in three siblings affected with Fanconi anemia; analysis of lymphoblastoid cell lines from these individuals demonstrated microsatellite instability (Knies K et al. PLoS ONE 2012;7(12):e52648; Matsuzaki K et al. Genes Dev. 2015 Dec;29(24):2532-46). This variant was not reported in population based cohorts in the following databases: Database of Single Nucleotide Polymorphisms (dbSNP), NHLBI Exome Sequencing Project (ESP), and 1000 Genomes Project. In the ESP, this variant was not observed in 6503 samples (13006 alleles) with coverage at this position. To date, this alteration has been detected with an allele frequency of approximately 0.001% (greater than 120000 alleles tested) in our clinical cohort. This amino acid position is highly conserved in available vertebrate species. In addition, the in silico prediction for this alteration is inconclusive. Since supporting evidence is still limited at this time, the clinical significance of p.E626D remains unclear.

Literature cited by the submitters: PubMed 23285130 (cited by Labcorp Genetics (formerly Invitae), Labcorp and Ambry Genetics); PubMed 26637282 (cited by Ambry Genetics).

NM_032043.3(BRIP1):c.1878A>C (p.Glu626Asp)

Gene: BRIP1 (BRCA1 interacting DNA helicase 1; minus strand). Cytogenetic location: 17q23.2.
Variant type: single nucleotide variant.
Coding change: c.1878A>C on transcript NM_032043.3 (MANE Select); coding-DNA position 1878, A replaced by C.
Protein change: p.Glu626Asp; replaces glutamic acid 626 with aspartic acid.
Molecular consequence: missense variant.
Genome position (GRCh38, 1-based): chr17:61,780,318, T>G on the plus strand (A>C on the coding strand, the complement: BRIP1 is on the minus strand). VCF-style: chr17-61780318-T-G. GRCh37 (hg19) VCF-style: chr17-59857679-T-G.
Other names: short protein forms E626D.
Identifiers: ClinVar variation 946555 (VCV000946555.13), dbSNP rs1567812484, ClinGen allele CA400480044.